The following is an entry in ClinVar:

NM_020975.6(RET):c.346T>A (p.Phe116Ile)

Gene: RET (ret proto-oncogene; plus strand). Cytogenetic location: 10q11.21.
Variant type: single nucleotide variant.
Coding change: c.346T>A on transcript NM_020975.6 (MANE Select); coding-DNA position 346, T replaced by A.
Protein change: p.Phe116Ile; replaces phenylalanine 116 with isoleucine.
Molecular consequence: missense variant.
Genome position (GRCh38, 1-based): chr10:43,102,350, T>A. VCF-style: chr10-43102350-T-A. GRCh37 (hg19) VCF-style: chr10-43597798-T-A.
Other names: c.346T>A, p.Phe116Ile (NM_000323.2, NM_001406743.1, NM_001406744.1 and 16 more transcripts); short protein forms F116I.
Identifiers: ClinVar variation 1380130 (VCV001380130.11), dbSNP rs1439820916, ClinGen allele CA376770632.

ClinVar aggregate classification (germline): Uncertain significance. Review status: criteria provided, multiple submitters, no conflicts (2 of 4 stars). 3 submissions from 3 submitters: Uncertain significance (3). Last evaluated 2025-12-02.

Conditions:
Hereditary cancer-predisposing syndrome. Also called: Tumor predisposition; Neoplastic Syndromes, Hereditary; Hereditary Cancer Syndrome; Hereditary neoplastic syndrome. Identifiers: Orphanet 140162, MedGen C0027672, MeSH D009386, MONDO:0015356.
Multiple endocrine neoplasia, type 2 (MEN2). Identifiers: Orphanet 653, MedGen C4048306, MONDO:0019003. Disease mechanism: gain of function.

Allele frequency attached by ClinVar (database versions not stated): gnomAD exomes below 0.00001.
gnomAD v4.1: 2 of 1,614,068 alleles (0.00012%); highest among the groups gnomAD compares: Non-Finnish European, 0.00017%; no homozygotes.

Submissions (3):

Labcorp Genetics (formerly Invitae), Labcorp
Classification: Uncertain significance for Multiple endocrine neoplasia, type 2. Last evaluated: 2025-12-02. Review status: criteria provided, single submitter. Criteria: Invitae Variant Classification Sherloc (09022015). Collection method: clinical testing. Allele origin: germline.
Comment: This sequence change replaces phenylalanine, which is neutral and non-polar, with isoleucine, which is neutral and non-polar, at codon 116 of the RET protein (p.Phe116Ile). This variant is present in population databases (no rsID available, gnomAD 0.0009%). This variant has not been reported in the literature in individuals affected with RET-related conditions. ClinVar contains an entry for this variant (Variation ID: 1380130). An algorithm developed to predict the effect of missense changes on protein structure and function (PolyPhen-2) suggests that this variant is likely to be tolerated. In summary, the available evidence is currently insufficient to determine the role of this variant in disease. Therefore, it has been classified as a Variant of Uncertain Significance.

Ambry Genetics
Classification: Uncertain significance for Hereditary cancer-predisposing syndrome. Last evaluated: 2024-11-21. Review status: criteria provided, single submitter. Criteria: Ambry Variant Classification Scheme 2023. Collection method: clinical testing. Allele origin: germline.
Comment: The p.F116I variant (also known as c.346T>A), located in coding exon 3 of the RET gene, results from a T to A substitution at nucleotide position 346. The phenylalanine at codon 116 is replaced by isoleucine, an amino acid with highly similar properties. This amino acid position is conserved. In addition, this alteration is predicted to be tolerated by in silico analysis. Since supporting evidence is limited at this time, the clinical significance of this alteration remains unclear.

All of Us Research Program, National Institutes of Health
Classification: Uncertain significance for Multiple endocrine neoplasia, type 2. Last evaluated: 2023-06-28. Review status: criteria provided, single submitter. Criteria: ACMG Guidelines, 2015. Collection method: clinical testing. Allele origin: germline. Inheritance: Autosomal dominant inheritance. Observed: 1 variant allele, 1 heterozygote.
Comment: This study involves interpretation of variants in research participants for the purpose of population health screening. Participant phenotype was not available at the time of variant classification. Additional details can be found in publication PMID: 35346344, PMCID: PMC8962531